The following is an entry in ClinVar:

NM_007294.4(BRCA1):c.4936G>C (p.Val1646Leu)

Gene: BRCA1 (BRCA1 DNA repair associated; minus strand). Cytogenetic location: 17q21.31.
Variant type: single nucleotide variant.
Coding change: c.4936G>C on transcript NM_007294.4 (MANE Select); coding-DNA position 4936, G replaced by C.
Protein change: p.Val1646Leu; replaces valine 1646 with leucine.
Molecular consequence: missense variant. On other transcripts: non-coding transcript variant (1).
Genome position (GRCh38, 1-based): chr17:43,070,978, C>G on the plus strand (G>C on the coding strand, the complement: BRCA1 is on the minus strand). VCF-style: chr17-43070978-C-G. GRCh37 (hg19) VCF-style: chr17-41222995-C-G.
Other names: c.1621G>C, p.Val541Leu (NM_001408397.1, NM_001408473.1, NM_001408392.1 and 8 more transcripts); c.1615G>C, p.Val539Leu (NM_001408409.1); c.1552G>C, p.Val518Leu (NM_001408410.1); c.1549G>C, p.Val517Leu (NM_001408411.1); c.1546G>C, p.Val516Leu (NM_001408412.1, NM_001408413.1, NM_001408414.1 and 2 more transcripts); c.1510G>C, p.Val504Leu (NM_001408418.1, NM_001408419.1, NM_001408420.1); c.1504G>C, p.Val502Leu (NM_001408429.1, NM_001408430.1, NM_001408431.1 and 4 more transcripts); c.1501G>C, p.Val501Leu (NM_001408432.1, NM_001408433.1, NM_001408434.1 and 10 more transcripts); and 70 more; short protein forms V1599L, V1646L, V542L, V1667L, V1350L, V1477L, V1492L, V1517L.
Identifiers: ClinVar variation 868860 (VCV000868860.3), dbSNP rs2052371775, ClinGen allele CA10591653.

Conditions:
Breast-ovarian cancer, familial, susceptibility to, 1 (BROVCA1). Also called: BRCA1 Hereditary Breast and Ovarian Cancer; OVARIAN CANCER, SUSCEPTIBILITY TO. Identifiers: Orphanet 145, MedGen C2676676, MONDO:0011450, OMIM 604370. Disease mechanism: loss of function.

Submission:

Brotman Baty Institute, University of Washington
No classification provided (evidence only). Condition: Breast-ovarian cancer, familial 1. Review status: no classification provided. Collection method: in vitro. Allele origin: not applicable. Functional consequence: functionally_normal.
ClinVar note: "not provided" was previously submitted as the classification for the variant. However, the classification appeared to be based only on an observation of functional data so it was converted to no classification on 2025-07-30.